The following is an entry in ClinVar:

NM_000352.6(ABCC8):c.1536C>A (p.Tyr512Ter)

Gene: ABCC8 (ATP binding cassette subfamily C member 8; minus strand). Cytogenetic location: 11p15.1.
Variant type: single nucleotide variant.
Coding change: c.1536C>A on transcript NM_000352.6 (MANE Select); coding-DNA position 1536, C replaced by A.
Protein change: p.Tyr512Ter; replaces tyrosine 512 with a stop codon.
Molecular consequence: nonsense. On other transcripts: non-coding transcript variant (1).
Genome position (GRCh38, 1-based): chr11:17,442,814, G>T on the plus strand (C>A on the coding strand, the complement: ABCC8 is on the minus strand). VCF-style: chr11-17442814-G-T. GRCh37 (hg19) VCF-style: chr11-17464361-G-T.
Other names: c.1536C>A, p.Tyr512Ter (NM_001287174.3, NM_001351295.2); c.1533C>A, p.Tyr511Ter (NM_001351296.2, NM_001351297.2); short protein forms Y511*, Y512*.
Identifiers: ClinVar variation 959844 (VCV000959844.11), dbSNP rs765090096, ClinGen allele CA379766520.

ClinVar aggregate classification (germline): Pathogenic. Review status: criteria provided, multiple submitters, no conflicts (2 of 4 stars). 2 submissions from 2 submitters: Pathogenic (2). Last evaluated 2024-07-28.

Conditions:
Hereditary hyperinsulinism.

Submissions (3):

Natera, Inc.
Classification: Pathogenic for Hereditary hyperinsulinism. Last evaluated: 2024-07-28. Review status: criteria provided, single submitter. Criteria: Natera Variant Classification Schema (03/2026). Collection method: clinical testing. Allele origin: germline.
Comment: The c.1536C>A variant in ABCC8 is a nonsense variant predicted to introduce a stop codon at amino acid 512. This variant is expected to result in nonsense mediated decay, truncation, or a dysfunctional protein product. This variant is rare in the general population with a frequency below the threshold expected for the associated phenotype(s). This variant has been observed in one or more individuals affected with the associated recessive disease, as either homozygous or compound heterozygous with a second variant (PMID: 26504129). Given the available evidence, this variant is classified as Pathogenic.

Labcorp Genetics (formerly Invitae), Labcorp
Classification: Pathogenic. Last evaluated: 2019-09-28. Review status: criteria provided, single submitter. Criteria: Invitae Variant Classification Sherloc (09022015). Collection method: clinical testing. Allele origin: germline.
Comment: Algorithms developed to predict the effect of sequence changes on RNA splicing suggest that this variant may create or strengthen a splice site, but this prediction has not been confirmed by published transcriptional studies. For these reasons, this variant has been classified as Pathogenic. Loss-of-function variants in ABCC8 are known to be pathogenic (PMID: 20685672, 23345197). This variant has been observed in an individual affected with congenital hyperinsulinism of infancy (PMID: 15807877). This variant is not present in population databases (ExAC no frequency). This sequence change creates a premature translational stop signal (p.Tyr512*) in the ABCC8 gene. It is expected to result in an absent or disrupted protein product.

Dr. Peter K. Rogan Lab, Western University
No classification provided (evidence only). Condition: Uterine corpus endometrial carcinoma. Review status: no classification provided. Collection method: in vitro. Allele origin: not applicable. Functional consequence: retained intron. Not counted in ClinVar's aggregate classification.

Literature cited by the submitters: PubMed 26504129 (cited by Natera, Inc.); PubMed 20685672 (cited by Labcorp Genetics (formerly Invitae), Labcorp); PubMed 23345197 (cited by Labcorp Genetics (formerly Invitae), Labcorp); PubMed 15807877 (cited by Labcorp Genetics (formerly Invitae), Labcorp).